The following is an entry in ClinVar:

ClinVar aggregate classification (germline): Uncertain significance (1 of 4 stars; one submission).

Conditions:
Arrhythmogenic right ventricular dysplasia 5. Also called: Arrhythmogenic Right Ventricular Dysplasia/Cardiomyopathy 5; ARRHYTHMOGENIC RIGHT VENTRICULAR DYSPLASIA, FAMILIAL, 5. Identifiers: MedGen C1858379, MONDO:0011459, OMIM 604400.

Submission:

All of Us Research Program, National Institutes of Health
Classification: Uncertain significance for Arrhythmogenic right ventricular dysplasia 5. Last evaluated: 2023-04-27. Review status: criteria provided, single submitter. Criteria: ACMG Guidelines, 2015. Collection method: clinical testing. Allele origin: germline. Inheritance: Autosomal dominant inheritance. Observed: 1 variant allele, 1 heterozygote.
Comment: This study involves interpretation of variants in research participants for the purpose of population health screening. Participant phenotype was not available at the time of variant classification. Additional details can be found in publication PMID: 35346344, PMCID: PMC8962531

NM_024334.3(TMEM43):c.596_597del (p.Lys199fs)

Gene: TMEM43 (transmembrane protein 43; plus strand). Cytogenetic location: 3p25.1.
Variant type: Deletion.
Coding change: c.596_597del on transcript NM_024334.3 (MANE Select); coding-DNA positions 596 to 597, 2 bases deleted (AA; older notation c.596_597delAA).
Protein change: p.Lys199fs; shifts the reading frame from lysine 199.
Molecular consequence: frameshift variant.
Genome position (GRCh38, 1-based): chr3:14,134,782-14,134,783, AA deleted; deleting any 2 consecutive bases within chr3:14,134,781-14,134,783 gives the same sequence; the c. name uses the placement nearest the transcript's 3' end. VCF-style (leftmost placement, unchanged base first): chr3-14134780-CAA-C. GRCh37 (hg19) VCF-style: chr3-14176280-CAA-C.
Other names: c.599_600del, p.Lys200fs (NM_001407274.1); c.596_597del, p.Lys199fs (NM_001407275.1, NM_001407276.1, NM_001407277.1 and 1 more transcripts); c.581_582del, p.Lys194fs (NM_001407278.1); c.446_447del, p.Lys149fs (NM_001407280.1); short protein forms K149fs, K194fs, K199fs, K200fs.
Identifiers: ClinVar variation 3070474 (VCV003070474.1), dbSNP rs2470187790, ClinGen allele CA2825001176.